The following is an entry in ClinVar:

ClinVar aggregate classification (germline): Pathogenic (1 of 4 stars; one submission).

Conditions:
Biotinidase deficiency. Also called: BTD deficiency; Late-onset biotin-responsive multiple carboxylase deficiency; Biotin deficiency. Identifiers: Orphanet 79241, MedGen C0220754, MONDO:0009665, OMIM 253260.

Submission:

Labcorp Genetics (formerly Invitae), Labcorp
Classification: Pathogenic for Biotinidase deficiency. Last evaluated: 2023-01-28. Review status: criteria provided, single submitter. Criteria: Invitae Variant Classification Sherloc (09022015). Collection method: clinical testing. Allele origin: germline.
Comment: For these reasons, this variant has been classified as Pathogenic. This variant disrupts a region of the BTD protein in which other variant(s) (p.Asp543Glu) have been determined to be pathogenic (PMID: 22698809, 25174816, 25967232; Invitae). This suggests that this is a clinically significant region of the protein, and that variants that disrupt it are likely to be disease-causing. This variant has not been reported in the literature in individuals affected with BTD-related conditions. This variant is not present in population databases (gnomAD no frequency). This sequence change creates a premature translational stop signal (p.Tyr536Trpfs*5) in the BTD gene. While this is not anticipated to result in nonsense mediated decay, it is expected to disrupt the last 8 amino acid(s) of the BTD protein.

Literature cited by the submitters: PubMed 22698809; PubMed 25174816; PubMed 25967232.

NM_001370658.1(BTD):c.1547_1548del (p.Tyr516fs)

Gene: BTD (biotinidase; plus strand). Cytogenetic location: 3p25.1.
Variant type: Deletion.
Coding change: c.1547_1548del on transcript NM_001370658.1 (MANE Select); coding-DNA positions 1547 to 1548, 2 bases deleted (AT; older notation c.1547_1548delAT).
Protein change: p.Tyr516fs; shifts the reading frame from tyrosine 516.
Molecular consequence: frameshift variant. On other transcripts: intron variant (8).
Genome position (GRCh38, 1-based): chr3:15,645,463-15,645,464, AT deleted; deleting any 2 consecutive bases within chr3:15,645,462-15,645,464 gives the same sequence; the c. name uses the placement nearest the transcript's 3' end. VCF-style (leftmost placement, unchanged base first): chr3-15645461-CTA-C. GRCh37 (hg19) VCF-style: chr3-15686968-CTA-C.
Other names: c.1547_1548del, p.Tyr516fs (NM_001407368.1, NM_001407369.1, NM_001407370.1 and 16 more transcripts); c.1015+532_1015+533del (NM_001370752.1, NM_001407379.1); c.399+3406_399+3407del (NM_001370753.1, NM_001407400.1, NM_001407380.1 and 3 more transcripts); short protein forms Y516fs.
Identifiers: ClinVar variation 2832442 (VCV002832442.3), dbSNP rs2471523531, ClinGen allele CA2739279400.